The following is an entry in ClinVar:

ClinVar aggregate classification (germline): Uncertain significance. Review status: criteria provided, single submitter (1 of 4 stars). 2 submissions from 2 submitters: Uncertain significance (1). 1 of the submissions does not count toward it. Last evaluated 2022-02-05.

Conditions:
Retinal dystrophy. Also called: Inherited retinal dystrophy. Identifiers: Orphanet 71862, MedGen C0854723, MeSH D058499, MONDO:0019118, HP:0000556.

Allele frequency attached by ClinVar (database versions not stated): TOPMed 0.00002.
gnomAD v4.1: 6 of 1,614,114 alleles (0.00037%); highest among the groups gnomAD compares: African/African-American, 0.0027%; no homozygotes.

Submissions (2):

Labcorp Genetics (formerly Invitae), Labcorp
Classification: Uncertain significance. Last evaluated: 2022-02-05. Review status: criteria provided, single submitter. Criteria: Invitae Variant Classification Sherloc (09022015). Collection method: clinical testing. Allele origin: germline.
Comment: In summary, the available evidence is currently insufficient to determine the role of this variant in disease. Therefore, it has been classified as a Variant of Uncertain Significance. Algorithms developed to predict the effect of missense changes on protein structure and function are either unavailable or do not agree on the potential impact of this missense change (SIFT: "Not Available"; PolyPhen-2: "Probably Damaging"; Align-GVGD: "Not Available"). ClinVar contains an entry for this variant (Variation ID: 1022573). This variant has not been reported in the literature in individuals affected with CDH3-related conditions. This variant is not present in population databases (gnomAD no frequency). This sequence change replaces alanine, which is neutral and non-polar, with threonine, which is neutral and polar, at codon 789 of the CDH3 protein (p.Ala789Thr).

Institute of Human Genetics, Univ. Regensburg, Univ. Regensburg
Classification: Uncertain significance for Retinal dystrophy. Last evaluated: 2017-01-01. Review status: no assertion criteria provided. Criteria: ACMG Guidelines, 2015. Collection method: clinical testing. Allele origin: germline. Affected: yes. Not counted in ClinVar's aggregate classification.

NM_001793.6(CDH3):c.2365G>A (p.Ala789Thr)

Gene: CDH3 (cadherin 3; plus strand). Cytogenetic location: 16q22.1.
Variant type: single nucleotide variant.
Coding change: c.2365G>A on transcript NM_001793.6 (MANE Select); coding-DNA position 2365, G replaced by A.
Protein change: p.Ala789Thr; replaces alanine 789 with threonine.
Molecular consequence: missense variant. On other transcripts: 3 prime UTR variant (1).
Genome position (GRCh38, 1-based): chr16:68,698,275, G>A. VCF-style: chr16-68698275-G-A. GRCh37 (hg19) VCF-style: chr16-68732178-G-A.
Other names: c.*108G>A (NM_001317195.3); c.2200G>A, p.Ala734Thr (NM_001317196.2); short protein forms A734T, A789T.
Identifiers: ClinVar variation 1022573 (VCV001022573.8), dbSNP rs775074404, ClinGen allele CA396456799.
Genomic context (GRCh38, chr16:68,698,275, plus strand): 5'-CCCACAGCCCCGCCCTACGACACCCTCTTGGTGTTCGACTATGAGGGCAGCGGCTCCGAC[G>A]CCGCGTCCCTGAGCTCCCTCACCTCCTCCGCCTCCGACCAAGACCAAGATTACGATTATC-3'
Protein context (NP_001784.2, residues 779-799): VFDYEGSGSD[Ala789Thr]ASLSSLTSSA